The following is an entry in ClinVar:

NM_000844.4(GRM7):c.738T>G (p.Gly246=)

Gene: GRM7 (glutamate metabotropic receptor 7; plus strand). Cytogenetic location: 3p26.1.
Variant type: single nucleotide variant.
Coding change: c.738T>G on transcript NM_000844.4 (MANE Select); coding-DNA position 738, T replaced by G.
Protein change: p.Gly246=; no amino-acid change (glycine 246 retained).
Molecular consequence: synonymous variant.
Genome position (GRCh38, 1-based): chr3:7,298,685, T>G. VCF-style: chr3-7298685-T-G. GRCh37 (hg19) VCF-style: chr3-7340372-T-G.
Other names: c.738T>G, p.Gly246= (NM_181874.3).
Identifiers: ClinVar variation 4085672 (VCV004085672.8).

ClinVar aggregate classification (germline): Likely benign (1 of 4 stars; one submission).

gnomAD v4.1: 1 of 1,612,638 alleles (0.000062%); highest among the groups gnomAD compares: Admixed American, 0.0017%; no homozygotes.

Submission:

CeGaT Center for Human Genetics Tuebingen
Classification: Likely benign. Last evaluated: 2025-08-01. Review status: criteria provided, single submitter. Criteria: CeGaT Center For Human Genetics Tuebingen Variant Classification Criteria Version 2. Collection method: clinical testing. Allele origin: germline. Affected: yes. Observed: 1 variant allele.
Comment: GRM7: BP4, BP7